The following is an entry in ClinVar:

ClinVar aggregate classification (germline): Uncertain significance (1 of 4 stars; one submission).

Submission:

Labcorp Genetics (formerly Invitae), Labcorp
Classification: Uncertain significance. Last evaluated: 2022-08-09. Review status: criteria provided, single submitter. Criteria: Invitae Variant Classification Sherloc (09022015). Collection method: clinical testing. Allele origin: germline.
Comment: In summary, the available evidence is currently insufficient to determine the role of this variant in disease. Therefore, it has been classified as a Variant of Uncertain Significance. Algorithms developed to predict the effect of missense changes on protein structure and function output the following: SIFT: "Tolerated"; PolyPhen-2: "Benign"; Align-GVGD: "Class C0". The aspartic acid amino acid residue is found in multiple mammalian species, which suggests that this missense change does not adversely affect protein function. This variant has not been reported in the literature in individuals affected with DMXL2-related conditions. This variant is not present in population databases (gnomAD no frequency). This sequence change replaces glutamic acid, which is acidic and polar, with aspartic acid, which is acidic and polar, at codon 1990 of the DMXL2 protein (p.Glu1990Asp).

NM_001378457.1(DMXL2):c.5970A>T (p.Glu1990Asp)

Gene: DMXL2 (Dmx like 2; minus strand). Cytogenetic location: 15q21.2.
Variant type: single nucleotide variant.
Coding change: c.5970A>T on transcript NM_001378457.1 (MANE Select); coding-DNA position 5970, A replaced by T.
Protein change: p.Glu1990Asp; replaces glutamic acid 1990 with aspartic acid.
Molecular consequence: missense variant. On other transcripts: non-coding transcript variant (2).
Genome position (GRCh38, 1-based): chr15:51,481,136, T>A on the plus strand (A>T on the coding strand, the complement: DMXL2 is on the minus strand). VCF-style: chr15-51481136-T-A. GRCh37 (hg19) VCF-style: chr15-51773333-T-A.
Other names: c.5970A>T, p.Glu1990Asp (NM_001174116.3, NM_001378458.1, NM_001378459.1 and 4 more transcripts); c.4062A>T, p.Glu1354Asp (NM_001174117.3); c.3951A>T, p.Glu1317Asp (NM_001378460.1); c.5730A>T, p.Glu1910Asp (NM_001378464.1); short protein forms E1317D, E1990D, E1354D, E1910D.
Identifiers: ClinVar variation 2010086 (VCV002010086.4), dbSNP rs2041979238, ClinGen allele CA392444660.
Genomic context (GRCh38, chr15:51,481,136, plus strand): 5'-TGATTGTTTATCTTTTTCCCTGGCATCTGTACTTTTCATCACTAAACCAACAGCATCGTC[T>A]TCCTCTTCATCTAAGGCACTGTCGTGATCTTCACCCCAATCAAGATTAAGAGGTTCCTCA-3'
Protein context (NP_001365386.1, residues 1980-2000): EDHDSALDEE[Glu1990Asp]DDAVGLVMKS